The following is an entry in ClinVar:

ClinVar aggregate classification (germline): Uncertain significance (1 of 4 stars; one submission).

Conditions:
Cornelia de Lange syndrome 1 (CDLS1). Also called: NIPBL-Related Cornelia de Lange Syndrome; Brachmann de Lange syndrome; TYPUS DEGENERATIVUS AMSTELODAMENSIS. Identifiers: Orphanet 199, MedGen C4551851, MONDO:0007387, OMIM 122470.

Allele frequency attached by ClinVar (database versions not stated): TOPMed 0.00001; ExAC 0.00002; gnomAD 0.00002; gnomAD exomes 0.00002.
gnomAD v4.1: 32 of 1,613,594 alleles (0.002%); highest among the groups gnomAD compares: Non-Finnish European, 0.0026%; no homozygotes.

Submission:

Labcorp Genetics (formerly Invitae), Labcorp
Classification: Uncertain significance for Cornelia de Lange syndrome 1. Last evaluated: 2024-02-02. Review status: criteria provided, single submitter. Criteria: Invitae Variant Classification Sherloc (09022015). Collection method: clinical testing. Allele origin: germline.
Comment: This sequence change replaces glutamine, which is neutral and polar, with leucine, which is neutral and non-polar, at codon 298 of the NIPBL protein (p.Gln298Leu). This variant is present in population databases (rs756882182, gnomAD 0.004%). This missense change has been observed in individual(s) with Cornelia de Lange syndrome (PMID: 30614194). Advanced modeling of protein sequence and biophysical properties (such as structural, functional, and spatial information, amino acid conservation, physicochemical variation, residue mobility, and thermodynamic stability) performed at Invitae indicates that this missense variant is not expected to disrupt NIPBL protein function with a negative predictive value of 95%. In summary, the available evidence is currently insufficient to determine the role of this variant in disease. Therefore, it has been classified as a Variant of Uncertain Significance.

Literature cited by the submitters: PubMed 30614194.

NM_133433.4(NIPBL):c.893A>T (p.Gln298Leu)

Gene: NIPBL (NIPBL cohesin loading factor; plus strand). Cytogenetic location: 5p13.2.
Variant type: single nucleotide variant.
Coding change: c.893A>T on transcript NM_133433.4 (MANE Select); coding-DNA position 893, A replaced by T.
Protein change: p.Gln298Leu; replaces glutamine 298 with leucine.
Molecular consequence: missense variant.
Genome position (GRCh38, 1-based): chr5:36,975,800, A>T. VCF-style: chr5-36975800-A-T. GRCh37 (hg19) VCF-style: chr5-36975902-A-T.
Other names: c.893A>T, p.Gln298Leu (NM_015384.5); short protein forms Q298L.
Identifiers: ClinVar variation 2972565 (VCV002972565.3), dbSNP rs756882182, ClinGen allele CA3235963.